The following is an entry in ClinVar:

ClinVar aggregate classification (germline): Uncertain significance (1 of 4 stars; one submission).

Conditions:
COL11A1-related disorder. Also called: COL11A1-related disorders; COL11A1-related condition.

gnomAD v4.1: 7 of 1,613,138 alleles (0.00043%); highest among the groups gnomAD compares: African/African-American, 0.0053%; no homozygotes.

Submission:

PreventionGenetics, part of Exact Sciences
Classification: Uncertain significance for COL11A1-related condition. Last evaluated: 2026-02-04. Review status: criteria provided, single submitter. Criteria: ACMG Guidelines, 2015. Collection method: clinical testing. Allele origin: germline.
Comment: The COL11A1 c.856C>G variant is predicted to result in the amino acid substitution p.Pro286Ala. To our knowledge, this variant has not been reported in the literature. This variant is reported in 0.012% of alleles in individuals of African descent in gnomAD. At this time, the clinical significance of this variant is uncertain due to the absence of conclusive functional and genetic evidence.

NM_001854.4(COL11A1):c.898-264C>G

Gene: COL11A1 (collagen type XI alpha 1 chain; minus strand). Cytogenetic location: 1p21.1.
Variant type: single nucleotide variant.
Coding change: c.898-264C>G on transcript NM_001854.4 (MANE Select); 264 bases into the intron before coding-DNA position 898, C replaced by G.
Molecular consequence: intron variant. On other transcripts: missense variant (1).
Genome position (GRCh38, 1-based): chr1:103,025,877, G>C on the plus strand (C>G on the coding strand, the complement: COL11A1 is on the minus strand). VCF-style: chr1-103025877-G-C. GRCh37 (hg19) VCF-style: chr1-103491433-G-C.
Other names: c.856C>G, p.Pro286Ala (NM_080629.3); c.781-264C>G (NM_001190709.2); c.897+339C>G (NM_080630.4); short protein forms P286A.
Identifiers: ClinVar variation 4989144 (VCV004989144.1).